The following is an entry in ClinVar:

ClinVar aggregate classification (germline): Uncertain significance (1 of 4 stars; one submission).

Submission:

GeneDx
Classification: Uncertain significance. Last evaluated: 2023-01-05. Review status: criteria provided, single submitter. Criteria: GeneDx Variant Classification Process June 2021. Collection method: clinical testing. Allele origin: germline. Affected: yes.
Comment: Not observed at significant frequency in large population cohorts (gnomAD); In silico analysis supports that this missense variant does not alter protein structure/function; Has not been previously published as pathogenic or benign to our knowledge

NM_002495.4(NDUFS4):c.47G>T (p.Arg16Leu)

Genes: NDUFS4 (NADH:ubiquinone oxidoreductase subunit S4; plus strand), LOC129993885 (ATAC-STARR-seq lymphoblastoid active region 22547; plus strand). Cytogenetic location: 5q11.2.
Variant type: single nucleotide variant.
Coding change: c.47G>T on transcript NM_002495.4 (MANE Select); coding-DNA position 47, G replaced by T.
Protein change: p.Arg16Leu; replaces arginine 16 with leucine.
Molecular consequence: missense variant. On other transcripts: non-coding transcript variant (3).
Genome position (GRCh38, 1-based): chr5:53,560,709, G>T. VCF-style: chr5-53560709-G-T. GRCh37 (hg19) VCF-style: chr5-52856539-G-T.
Other names: c.47G>T, p.Arg16Leu (NM_001318051.2); short protein forms R16L.
Identifiers: ClinVar variation 2571749 (VCV002571749.1), dbSNP rs188911977, ClinGen allele CA359719009.